The following is an entry in ClinVar:

NM_002971.6(SATB1):c.1006C>T (p.Leu336Phe)

Gene: SATB1 (SATB homeobox 1; minus strand). Cytogenetic location: 3p24.3.
Variant type: single nucleotide variant.
Coding change: c.1006C>T on transcript NM_002971.6 (MANE Select); coding-DNA position 1006, C replaced by T.
Protein change: p.Leu336Phe; replaces leucine 336 with phenylalanine.
Molecular consequence: missense variant.
Genome position (GRCh38, 1-based): chr3:18,394,662, G>A on the plus strand (C>T on the coding strand, the complement: SATB1 is on the minus strand). VCF-style: chr3-18394662-G-A. GRCh37 (hg19) VCF-style: chr3-18436154-G-A.
Other names: c.1006C>T, p.Leu336Phe (NM_001131010.4, NM_001195470.3, NM_001322871.2 and 4 more transcripts); c.790C>T, p.Leu264Phe (NM_001322876.2); short protein forms L264F, L336F.
Identifiers: ClinVar variation 2632629 (VCV002632629.2), dbSNP rs960512584, ClinGen allele CA70705915.

ClinVar aggregate classification (germline): Uncertain significance (0 of 4 stars; one submission).

Conditions:
SATB1-related disorder. Also called: SATB1-related condition.

Allele frequency attached by ClinVar (database versions not stated): TOPMed below 0.00001.

Submission:

PreventionGenetics, part of Exact Sciences
Classification: Uncertain significance for SATB1-related condition. Last evaluated: 2024-06-13. Review status: no assertion criteria provided. Collection method: clinical testing. Allele origin: germline.
Comment: The SATB1 c.1006C>T variant is predicted to result in the amino acid substitution p.Leu336Phe. To our knowledge, this variant has not been reported in the literature or in a large population database, indicating this variant is rare. At this time, the clinical significance of this variant is uncertain due to the absence of conclusive functional and genetic evidence.